The following is an entry in ClinVar:

NM_001308175.2(SH3PXD2B):c.1257A>G (p.Ala419=)

Gene: SH3PXD2B (SH3 and PX domains 2B; minus strand). Cytogenetic location: 5q35.1.
Variant type: single nucleotide variant.
Coding change: c.1257A>G on transcript NM_001308175.2; coding-DNA position 1257, A replaced by G.
Protein change: p.Ala419=; no amino-acid change (alanine 419 retained).
Molecular consequence: synonymous variant.
Genome position (GRCh38, 1-based): chr5:172,325,312, T>C on the plus strand (A>G on the coding strand, the complement: SH3PXD2B is on the minus strand). VCF-style: chr5-172325312-T-C. GRCh37 (hg19) VCF-style: chr5-171752316-T-C.
Identifiers: ClinVar variation 3030642 (VCV003030642.2), dbSNP rs748920360, ClinGen allele CA447815444.

ClinVar aggregate classification (germline): Likely benign (0 of 4 stars; one submission).

Conditions:
SH3PXD2B-related disorder. Also called: SH3PXD2B-related condition.

gnomAD v4.1: 1 of 1,535,564 alleles (0.000065%); highest among the groups gnomAD compares: Non-Finnish European, 0.000087%; no homozygotes.

Submission:

PreventionGenetics, part of Exact Sciences
Classification: Likely benign for SH3PXD2B-related condition. Last evaluated: 2021-02-04. Review status: no assertion criteria provided. Collection method: clinical testing. Allele origin: germline.
Comment: This variant is classified as likely benign based on ACMG/AMP sequence variant interpretation guidelines (Richards et al. 2015 PMID: 25741868, with internal and published modifications).